The following is an entry in ClinVar:

ClinVar aggregate classification (germline): Uncertain significance (1 of 4 stars; one submission).

Submissions (3):

Labcorp Genetics (formerly Invitae), Labcorp
Classification: Uncertain significance. Last evaluated: 2022-07-24. Review status: criteria provided, single submitter. Criteria: Invitae Variant Classification Sherloc (09022015). Collection method: clinical testing. Allele origin: germline.
Comment: In summary, the available evidence is currently insufficient to determine the role of this variant in disease. Therefore, it has been classified as a Variant of Uncertain Significance. Variants that disrupt the consensus splice site are a relatively common cause of aberrant splicing (PMID: 17576681, 9536098). Algorithms developed to predict the effect of sequence changes on RNA splicing suggest that this variant may disrupt the consensus splice site. This variant has not been reported in the literature in individuals affected with RARS2-related conditions. This variant is not present in population databases (gnomAD no frequency). This sequence change falls in intron 5 of the RARS2 gene. It does not directly change the encoded amino acid sequence of the RARS2 protein. It affects a nucleotide within the consensus splice site.

Dr. Peter K. Rogan Lab, Western University
No classification provided (evidence only). Condition: Cervical cancer. Review status: no classification provided. Collection method: in vitro. Allele origin: not applicable. Functional consequence: skipped exon. Not counted in ClinVar's aggregate classification.

Dr. Peter K. Rogan Lab, Western University
No classification provided (evidence only). Condition: Ovarian serous cystadenocarcinoma. Review status: no classification provided. Collection method: in vitro. Allele origin: not applicable. Functional consequence: retained intron. Not counted in ClinVar's aggregate classification.

Literature cited by the submitters: PubMed 17576681 (cited by Labcorp Genetics (formerly Invitae), Labcorp); PubMed 9536098 (cited by Labcorp Genetics (formerly Invitae), Labcorp).

NM_020320.5(RARS2):c.395+3G>T

Gene: RARS2 (arginyl-tRNA synthetase 2, mitochondrial; minus strand). Cytogenetic location: 6q15.
Variant type: single nucleotide variant.
Coding change: c.395+3G>T on transcript NM_020320.5 (MANE Select); 3 bases into the intron after coding-DNA position 395, G replaced by T.
Molecular consequence: intron variant.
Genome position (GRCh38, 1-based): chr6:87,555,405, C>A on the plus strand (G>T on the coding strand, the complement: RARS2 is on the minus strand). VCF-style: chr6-87555405-C-A. GRCh37 (hg19) VCF-style: chr6-88265123-C-A.
Other names: c.395+3G>T (NM_001350505.2); c.-75+3G>T (NM_001350509.2, NM_001318785.2); c.-131+3G>T (NM_001350506.2, NM_001350510.2, NM_001350511.2 and 1 more transcripts); c.-293+3G>T (NM_001350508.2).
Identifiers: ClinVar variation 2019404 (VCV002019404.5), dbSNP rs2484604241, ClinGen allele CA2580075956.